The following is an entry in ClinVar:

ClinVar aggregate classification (germline): Uncertain significance (1 of 4 stars; one submission).

Conditions:
Hereditary cancer-predisposing syndrome. Also called: Tumor predisposition; Neoplastic Syndromes, Hereditary; Hereditary Cancer Syndrome; Hereditary neoplastic syndrome. Identifiers: Orphanet 140162, MedGen C0027672, MeSH D009386, MONDO:0015356.

gnomAD v4.1: 1 of 1,613,310 alleles (0.000062%); highest among the groups gnomAD compares: South Asian, 0.0011%; no homozygotes.

Submission:

Ambry Genetics
Classification: Uncertain significance for Hereditary cancer-predisposing syndrome. Last evaluated: 2024-08-17. Review status: criteria provided, single submitter. Criteria: Ambry Variant Classification Scheme 2023. Collection method: clinical testing. Allele origin: germline.
Comment: The p.K160E variant (also known as c.478A>G), located in coding exon 4 of the DICER1 gene, results from an A to G substitution at nucleotide position 478. The lysine at codon 160 is replaced by glutamic acid, an amino acid with similar properties. This amino acid position is conserved. In addition, this alteration is predicted to be tolerated by in silico analysis. Based on the available evidence, the clinical significance of this variant remains unclear.

NM_177438.3(DICER1):c.478A>G (p.Lys160Glu)

Gene: DICER1 (dicer 1, ribonuclease III; minus strand). Cytogenetic location: 14q32.13.
Variant type: single nucleotide variant.
Coding change: c.478A>G on transcript NM_177438.3 (MANE Select); coding-DNA position 478, A replaced by G.
Protein change: p.Lys160Glu; replaces lysine 160 with glutamic acid.
Molecular consequence: missense variant. On other transcripts: 5 prime UTR variant (1), non-coding transcript variant (6), intron variant (1).
Genome position (GRCh38, 1-based): chr14:95,130,153, T>C on the plus strand (A>G on the coding strand, the complement: DICER1 is on the minus strand). VCF-style: chr14-95130153-T-C. GRCh37 (hg19) VCF-style: chr14-95596490-T-C.
Other names: c.478A>G, p.Lys160Glu (NM_001195573.1, NM_001271282.3, NM_001291628.2 and 14 more transcripts); c.196A>G, p.Lys66Glu (NM_001395686.1); c.73A>G, p.Lys25Glu (NM_001395687.1, NM_001395688.1, NM_001395689.1 and 3 more transcripts); c.-1091A>G (NM_001395697.1); c.-20-70A>G (NM_001395691.1); short protein forms K160E, K25E, K66E.
Identifiers: ClinVar variation 3501883 (VCV003501883.1).